The following is an entry in ClinVar:

NM_000059.4(BRCA2):c.6536_6537insA (p.Leu2180fs)

Gene: BRCA2 (BRCA2 DNA repair associated; plus strand). Cytogenetic location: 13q13.1.
Variant type: Insertion.
Coding change: c.6536_6537insA on transcript NM_000059.4 (MANE Select); coding-DNA positions 6536 to 6537, A inserted.
Protein change: p.Leu2180fs; shifts the reading frame from leucine 2180.
Molecular consequence: frameshift variant.
Genome position: GRCh38 VCF-style: chr13-32340891-T-TA. GRCh37 (hg19) VCF-style: chr13-32915028-T-TA.
Other names: 6764insA; short protein forms L2180fs.
Identifiers: ClinVar variation 266960 (VCV000266960.4), dbSNP rs886040665, ClinGen allele CA10589389.
Genomic context (GRCh38, chr13:32,340,891, plus strand): 5'-AACAAGACAAACAACAGTTGGTATTAGGAACCAAAGTGTCACTTGTTGAGAACATTCATG[T>TA]TTTGGGAAAAGAACAGGCTTCACCTAAAAACGTAAAAATGGAAATTGGTAAAACTGAAAC-3'

ClinVar aggregate classification (germline): Pathogenic. Review status: reviewed by expert panel (3 of 4 stars). 2 submissions from 2 submitters: Pathogenic (1). 1 of the submissions does not count toward it. Last evaluated 2016-10-18.

Conditions:
BRCA2-related cancer predisposition. Identifiers: MedGen CN377758, MONDO:0700269.
Breast-ovarian cancer, familial, susceptibility to, 2 (BROVCA2). Also called: BRCA2 Hereditary Breast and Ovarian Cancer. Identifiers: Orphanet 145, MedGen C2675520, MONDO:0012933, OMIM 612555. Disease mechanism: loss of function.

Submissions (2):

Evidence-based Network for the Interpretation of Germline Mutant Alleles (ENIGMA)
Classification: Pathogenic for Breast-ovarian cancer, familial, susceptibility to, 2. Last evaluated: 2016-10-18. Review status: reviewed by expert panel. Criteria: ENIGMA BRCA1/2 Classification Criteria (2015). Collection method: curation. Allele origin: germline.
Comment: Variant allele predicted to encode a truncated non-functional protein.

Department of Pathology and Laboratory Medicine, Sinai Health System
Classification: Pathogenic for BRCA2-related cancer predisposition. Last evaluated: 2021-10-28. Review status: criteria provided, single submitter. Criteria: ACMG Guidelines, 2015. Collection method: clinical testing. Allele origin: germline. Affected: no. Not counted in ClinVar's aggregate classification.